The following is an entry in ClinVar:

NC_000005.9:g.(?_137515370)_(137523102_?)del

Gene: KIF20A (kinesin family member 20A; plus strand). Cytogenetic location: 5q31.2.
Variant type: Deletion.
Identifiers: ClinVar variation 2425409 (VCV002425409.4).

ClinVar aggregate classification (germline): Uncertain significance (1 of 4 stars; one submission).

Submission:

Labcorp Genetics (formerly Invitae), Labcorp
Classification: Uncertain significance. Last evaluated: 2022-09-01. Review status: criteria provided, single submitter. Criteria: Invitae Variant Classification Sherloc (09022015). Collection method: clinical testing. Allele origin: germline.
Comment: In summary, the available evidence is currently insufficient to determine the role of this variant in disease. Therefore, it has been classified as a Variant of Uncertain Significance. This variant has not been reported in the literature in individuals affected with KIF20A-related conditions. A gross deletion of the genomic region encompassing the full coding sequence of the KIF20A gene has been identified. The current clinical and genetic evidence is not sufficient to establish whether loss-of-function variants in KIF20A cause disease. The boundaries of this event are unknown as they extend beyond the assayed region for this gene and therefore may encompass additional genes.